The following is an entry in ClinVar:

ClinVar aggregate classification (germline): Uncertain significance. Review status: criteria provided, multiple submitters, no conflicts (2 of 4 stars). 3 submissions from 3 submitters: Uncertain significance (3). Last evaluated 2024-06-27.

Conditions:
Inborn genetic diseases. Identifiers: MedGen C0950123, MeSH D030342.

Allele frequency attached by ClinVar (database versions not stated): TOPMed below 0.00001; gnomAD 0.00001; gnomAD exomes 0.00001; ExAC 0.00005.
gnomAD v4.1: 9 of 1,520,146 alleles (0.00059%); highest among the groups gnomAD compares: East Asian, 0.0025%; no homozygotes.

Submissions (3):

Blueprint Genetics
Classification: Uncertain significance. Last evaluated: 2024-06-27. Review status: criteria provided, single submitter. Criteria: ACMG Guidelines, 2015. Collection method: clinical testing. Allele origin: germline.

Ambry Genetics
Classification: Uncertain significance for Inborn genetic diseases. Last evaluated: 2023-12-14. Review status: criteria provided, single submitter. Criteria: Ambry Variant Classification Scheme 2023. Collection method: clinical testing. Allele origin: germline.

Labcorp Genetics (formerly Invitae), Labcorp
Classification: Uncertain significance. Last evaluated: 2022-07-11. Review status: criteria provided, single submitter. Criteria: Invitae Variant Classification Sherloc (09022015). Collection method: clinical testing. Allele origin: germline.
Comment: This sequence change replaces glutamic acid, which is acidic and polar, with aspartic acid, which is acidic and polar, at codon 462 of the CEP78 protein (p.Glu462Asp). This variant is present in population databases (rs766147788, gnomAD 0.01%). This variant has not been reported in the literature in individuals affected with CEP78-related conditions. ClinVar contains an entry for this variant (Variation ID: 961341). Algorithms developed to predict the effect of missense changes on protein structure and function (SIFT, PolyPhen-2, Align-GVGD) all suggest that this variant is likely to be tolerated. In summary, the available evidence is currently insufficient to determine the role of this variant in disease. Therefore, it has been classified as a Variant of Uncertain Significance.

NM_001330691.3(CEP78):c.1383A>T (p.Glu461Asp)

Gene: CEP78 (centrosomal protein 78; plus strand). Cytogenetic location: 9q21.2.
Variant type: single nucleotide variant.
Coding change: c.1383A>T on transcript NM_001330691.3 (MANE Select); coding-DNA position 1383, A replaced by T.
Protein change: p.Glu461Asp; replaces glutamic acid 461 with aspartic acid.
Molecular consequence: missense variant.
Genome position (GRCh38, 1-based): chr9:78,262,909, A>T. VCF-style: chr9-78262909-A-T. GRCh37 (hg19) VCF-style: chr9-80877825-A-T.
Other names: c.1386A>T, p.Glu462Asp (NM_001098802.3, NM_001349839.2, NM_001349840.2 and 1 more transcripts); c.1383A>T, p.Glu461Asp (NM_001330693.3, NM_001330694.2, NM_001349838.2); short protein forms E461D, E462D.
Identifiers: ClinVar variation 961341 (VCV000961341.8), dbSNP rs766147788, ClinGen allele CA5095253.